The following is an entry in ClinVar:

NM_001366102.1(TDRD12):c.2412C>T (p.Gly804=)

Gene: TDRD12 (tudor domain containing 12; plus strand). Cytogenetic location: 19q13.11.
Variant type: single nucleotide variant.
Coding change: c.2412C>T on transcript NM_001366102.1 (MANE Select); coding-DNA position 2412, C replaced by T.
Protein change: p.Gly804=; no amino-acid change (glycine 804 retained).
Molecular consequence: synonymous variant.
Genome position (GRCh38, 1-based): chr19:32,803,002, C>T. VCF-style: chr19-32803002-C-T. GRCh37 (hg19) VCF-style: chr19-33293908-C-T.
Identifiers: ClinVar variation 2649689 (VCV002649689.24), dbSNP rs541196125, ClinGen allele CA9358250.

ClinVar aggregate classification (germline): Likely benign (1 of 4 stars; one submission).

Allele frequency attached by ClinVar (database versions not stated): 1000 Genomes Project 0.00080; TOPMed 0.00103; 1000 Genomes Project 30x 0.00109.
gnomAD v4.1: 286 of 1,536,062 alleles (0.019%); highest among the groups gnomAD compares: African/African-American, 0.35%; no homozygotes.

Submission:

CeGaT Center for Human Genetics Tuebingen
Classification: Likely benign. Last evaluated: 2022-07-01. Review status: criteria provided, single submitter. Criteria: CeGaT Center For Human Genetics Tuebingen Variant Classification Criteria Version 2. Collection method: clinical testing. Allele origin: germline. Affected: yes. Observed: 1 variant allele.
Comment: TDRD12: BP4, BP7